The following is an entry in ClinVar:

NM_201384.3(PLEC):c.7637_7669del (p.Gln2546_Arg2556del)

Gene: PLEC (plectin; minus strand). Cytogenetic location: 8q24.3.
Variant type: Deletion.
Coding change: c.7637_7669del on transcript NM_201384.3 (MANE Select); coding-DNA positions 7637 to 7669, 33 bases deleted.
Protein change: p.Gln2546_Arg2556del.
Molecular consequence: inframe deletion.
Genome position (GRCh38, 1-based): chr8:143,922,152-143,922,184, 33 bases deleted; deleting any 33 consecutive bases within chr8:143,922,152-143,922,188 gives the same sequence; the c. name uses the placement nearest the transcript's 3' end. GRCh37 (hg19): chr8:144,996,324-144,996,356.
Other names: c.7718_7750del, p.Gln2573_Arg2583del (NM_000445.5); c.4337_4369del, p.Gln1446_Arg1456del (NM_001410941.1); c.7595_7627del, p.Gln2532_Arg2542del (NM_201378.4); c.7571_7603del, p.Gln2524_Arg2534del (NM_201379.3); c.8048_8080del, p.Gln2683_Arg2693del (NM_201380.4); c.7541_7573del, p.Gln2514_Arg2524del (NM_201381.3); c.7637_7669del, p.Gln2546_Arg2556del (NM_201382.4); c.7649_7681del, p.Gln2550_Arg2560del (NM_201383.3).
Identifiers: ClinVar variation 3756586 (VCV003756586.2).

ClinVar aggregate classification (germline): Uncertain significance (1 of 4 stars; one submission).

Conditions:
Epidermolysis bullosa simplex with nail dystrophy (EBS5D). Identifiers: MedGen C4225309, MONDO:0014661, OMIM 616487.
Epidermolysis bullosa simplex, Ogna type (EBS5A). Also called: Pidermolysis bullosa simplex 5A, Ogna type; EPIDERMOLYSIS BULLOSA SIMPLEX 5A, OGNA TYPE. Identifiers: Orphanet 79401, MedGen C0432317, MONDO:0007555, OMIM 131950.
Autosomal recessive limb-girdle muscular dystrophy type 2Q (LGMDR17). Also called: MUSCULAR DYSTROPHY, LIMB-GIRDLE, AUTOSOMAL RECESSIVE 17. Identifiers: Orphanet 254361, MedGen C3150989, MONDO:0013390, OMIM 613723.
Epidermolysis bullosa simplex 5B, with muscular dystrophy (EBS5B). Also called: EPIDERMOLYSIS BULLOSA SIMPLEX AND LIMB-GIRDLE MUSCULAR DYSTROPHY; Epidermolysis bullosa simplex with muscular dystrophy. Identifiers: Orphanet 257, MedGen C2931072, MONDO:0009181, OMIM 226670.
Epidermolysis bullosa simplex 5C, with pyloric atresia (EBS5C). Also called: PLEC-Related Epidermolysis Bullosa with Pyloric Atresia; Epidermolysis bullosa simplex with pyloric atresia; PLEC1-Related Epidermolysis Bullosa with Pyloric Atresia. Identifiers: Orphanet 158684, MedGen C2677349, MONDO:0012807, OMIM 612138.

Submission:

Labcorp Genetics (formerly Invitae), Labcorp
Classification: Uncertain significance for Autosomal recessive limb-girdle muscular dystrophy type 2Q; Epidermolysis bullosa simplex, Ogna type; Epidermolysis bullosa simplex with nail dystrophy; Epidermolysis bullosa simplex 5C, with pyloric atresia; Epidermolysis bullosa simplex 5B, with muscular dystrophy. Last evaluated: 2024-06-19. Review status: criteria provided, single submitter. Criteria: Invitae Variant Classification Sherloc (09022015). Collection method: clinical testing. Allele origin: germline.
Comment: This variant, c.7718_7750del, results in the deletion of 11 amino acid(s) of the PLEC protein (p.Gln2573_Arg2583del), but otherwise preserves the integrity of the reading frame. This variant is not present in population databases (gnomAD no frequency). This variant has not been reported in the literature in individuals affected with PLEC-related conditions. Experimental studies and prediction algorithms are not available or were not evaluated, and the functional significance of this variant is currently unknown. In summary, the available evidence is currently insufficient to determine the role of this variant in disease. Therefore, it has been classified as a Variant of Uncertain Significance.